The following is an entry in ClinVar:

ClinVar aggregate classification (germline): Likely benign. Review status: criteria provided, multiple submitters, no conflicts (2 of 4 stars). 3 submissions from 3 submitters: Likely benign (3). Last evaluated 2025-04-26.

Conditions:
DNA2-related disorder. Also called: DNA2-related condition.

Allele frequency attached by ClinVar (database versions not stated): gnomAD below 0.00001 and 0.00002; TOPMed 0.00001; gnomAD exomes 0.00007 and 0.00014; ExAC 0.00015; 1000 Genomes Project 30x 0.00016; 1000 Genomes Project 0.00020.
gnomAD v4.1: 101 of 1,613,928 alleles (0.0063%); highest among the groups gnomAD compares: South Asian, 0.11%; 1 homozygote.

Submissions (3):

PreventionGenetics, part of Exact Sciences
Classification: Likely benign for DNA2-related condition. Last evaluated: 2025-04-26. Review status: criteria provided, single submitter. Criteria: ACMG Guidelines, 2015. Collection method: clinical testing. Allele origin: germline.
Comment: This variant is classified as likely benign based on ACMG/AMP sequence variant interpretation guidelines (Richards et al. 2015 PMID: 25741868, with internal and published modifications).

Labcorp Genetics (formerly Invitae), Labcorp
Classification: Likely benign. Last evaluated: 2023-09-09. Review status: criteria provided, single submitter. Criteria: Invitae Variant Classification Sherloc (09022015). Collection method: clinical testing. Allele origin: germline.

GeneDx
Classification: Likely benign. Last evaluated: 2017-03-28. Review status: criteria provided, single submitter. Criteria: GeneDx Variant Classification (06012015). Collection method: clinical testing. Allele origin: germline. Affected: yes.
Comment: This variant is considered likely benign or benign based on one or more of the following criteria: it is a conservative change, it occurs at a poorly conserved position in the protein, it is predicted to be benign by multiple in silico algorithms, and/or has population frequency not consistent with disease.

NM_001080449.3(DNA2):c.1491A>G (p.Leu497=)

Gene: DNA2 (DNA replication helicase/nuclease 2; minus strand). Cytogenetic location: 10q21.3.
Variant type: single nucleotide variant.
Coding change: c.1491A>G on transcript NM_001080449.3 (MANE Select); coding-DNA position 1491, A replaced by G.
Protein change: p.Leu497=; no amino-acid change (leucine 497 retained).
Molecular consequence: synonymous variant. On other transcripts: non-coding transcript variant (1).
Genome position (GRCh38, 1-based): chr10:68,437,166, T>C on the plus strand (A>G on the coding strand, the complement: DNA2 is on the minus strand). VCF-style: chr10-68437166-T-C. GRCh37 (hg19) VCF-style: chr10-70196923-T-C.
Identifiers: ClinVar variation 508407 (VCV000508407.7), dbSNP rs549990947, ClinGen allele CA5525055.